The following is an entry in ClinVar:

NM_000551.4(VHL):c.141A>G (p.Glu47=)

Gene: VHL (von Hippel-Lindau tumor suppressor; plus strand). Cytogenetic location: 3p25.3.
Variant type: single nucleotide variant.
Coding change: c.141A>G on transcript NM_000551.4 (MANE Select); coding-DNA position 141, A replaced by G.
Protein change: p.Glu47=; no amino-acid change (glutamic acid 47 retained).
Molecular consequence: synonymous variant.
Genome position (GRCh38, 1-based): chr3:10,141,988, A>G. VCF-style: chr3-10141988-A-G. GRCh37 (hg19) VCF-style: chr3-10183672-A-G.
Other names: c.141A>G, p.Glu47= (NM_001354723.2, NM_198156.3).
Identifiers: ClinVar variation 754151 (VCV000754151.15), dbSNP rs1353920298, ClinGen allele CA432536350.

ClinVar aggregate classification (germline): Benign/Likely benign. Review status: criteria provided, multiple submitters, no conflicts (2 of 4 stars). 4 submissions from 4 submitters: Benign (1); Likely benign (3). Last evaluated 2025-06-10.

Conditions:
Chuvash polycythemia. Also called: POLYCYTHEMIA, VHL-DEPENDENT. Identifiers: Orphanet 238557, MedGen C1837915, MONDO:0009892, OMIM 263400.
Von Hippel-Lindau syndrome (VHLS). Also called: VHL syndrome; Von Hippel-Lindau; von Hippel–Lindau syndrome. Identifiers: Orphanet 892, MedGen C0019562, MONDO:0008667, OMIM 193300. Disease mechanism: loss of function.
Hereditary cancer-predisposing syndrome. Also called: Tumor predisposition; Hereditary Cancer Syndrome; Neoplastic Syndromes, Hereditary; Hereditary neoplastic syndrome. Identifiers: Orphanet 140162, MedGen C0027672, MeSH D009386, MONDO:0015356.

Allele frequency attached by ClinVar (database versions not stated): gnomAD exomes 0.00001; TOPMed 0.00002.
gnomAD v4.1: 12 of 1,572,018 alleles (0.00076%); highest among the groups gnomAD compares: Non-Finnish European, 0.00095%; no homozygotes.

Submissions (4):

Myriad Genetics, Inc.
Classification: Benign for Von Hippel-Lindau syndrome. Last evaluated: 2025-06-10. Review status: criteria provided, single submitter. Criteria: Myriad Autosomal Dominant, Autosomal Recessive and X-Linked Classification Criteria (2023). Collection method: clinical testing. Allele origin: unknown.
Comment: This variant is considered benign. This variant is a silent/synonymous amino acid change and it is not expected to impact splicing.

Labcorp Genetics (formerly Invitae), Labcorp
Classification: Likely benign for Von Hippel-Lindau syndrome; Chuvash polycythemia. Last evaluated: 2024-04-24. Review status: criteria provided, single submitter. Criteria: Invitae Variant Classification Sherloc (09022015). Collection method: clinical testing. Allele origin: germline.

All of Us Research Program, National Institutes of Health
Classification: Likely benign for Von Hippel-Lindau syndrome. Last evaluated: 2023-09-17. Review status: criteria provided, single submitter. Criteria: ACMG Guidelines, 2015. Collection method: clinical testing. Allele origin: germline. Inheritance: Autosomal dominant inheritance. Observed: 2 variant alleles, 2 heterozygotes.
Comment: This study involves interpretation of variants in research participants for the purpose of population health screening. Participant phenotype was not available at the time of variant classification. Additional details can be found in publication PMID: 35346344, PMCID: PMC8962531

Ambry Genetics
Classification: Likely benign for Hereditary cancer-predisposing syndrome. Last evaluated: 2022-06-12. Review status: criteria provided, single submitter. Criteria: Ambry Variant Classification Scheme 2023. Collection method: clinical testing. Allele origin: germline.